The following is an entry in ClinVar:

NM_000135.4(FANCA):c.1560C>G (p.Asp520Glu)

Gene: FANCA (FA complementation group A; minus strand). Cytogenetic location: 16q24.3.
Variant type: single nucleotide variant.
Coding change: c.1560C>G on transcript NM_000135.4 (MANE Select); coding-DNA position 1560, C replaced by G.
Protein change: p.Asp520Glu; replaces aspartic acid 520 with glutamic acid.
Molecular consequence: missense variant.
Genome position (GRCh38, 1-based): chr16:89,783,013, G>C on the plus strand (C>G on the coding strand, the complement: FANCA is on the minus strand). VCF-style: chr16-89783013-G-C. GRCh37 (hg19) VCF-style: chr16-89849421-G-C.
Other names: c.1560C>G, p.Asp520Glu (NM_001286167.3); c.1560C>G (NM_000135.3); short protein forms D520E.
Identifiers: ClinVar variation 1403363 (VCV001403363.8), dbSNP rs1486566215, ClinGen allele CA397458061.

ClinVar aggregate classification (germline): Uncertain significance. Review status: criteria provided, single submitter (1 of 4 stars). 2 submissions from 2 submitters: Uncertain significance (1). 1 of the submissions does not count toward it. Last evaluated 2025-01-20.

Conditions:
Fanconi anemia (FA). Also called: Fanconi's anemia. Identifiers: Orphanet 84, MedGen C0015625, MeSH D005199, MONDO:0019391.

Submissions (2):

Labcorp Genetics (formerly Invitae), Labcorp
Classification: Uncertain significance for Fanconi anemia. Last evaluated: 2025-01-20. Review status: criteria provided, single submitter. Criteria: Invitae Variant Classification Sherloc (09022015). Collection method: clinical testing. Allele origin: germline.
Comment: This sequence change replaces aspartic acid, which is acidic and polar, with glutamic acid, which is acidic and polar, at codon 520 of the FANCA protein (p.Asp520Glu). This variant is not present in population databases (gnomAD no frequency). This variant has not been reported in the literature in individuals affected with FANCA-related conditions. ClinVar contains an entry for this variant (Variation ID: 1403363). Invitae Evidence Modeling of protein sequence and biophysical properties (such as structural, functional, and spatial information, amino acid conservation, physicochemical variation, residue mobility, and thermodynamic stability) has been performed for this missense variant. However, the output from this modeling did not meet the statistical confidence thresholds required to predict the impact of this variant on FANCA protein function. In summary, the available evidence is currently insufficient to determine the role of this variant in disease. Therefore, it has been classified as a Variant of Uncertain Significance.

Natera, Inc.
Classification: Uncertain significance for Fanconi anemia. Last evaluated: 2025-02-03. Review status: no assertion criteria provided. Collection method: clinical testing. Allele origin: germline. Not counted in ClinVar's aggregate classification.